The following is an entry in ClinVar:

NM_001928.4(CFD):c.17G>A (p.Arg6His)

Gene: CFD (complement factor D; plus strand). Cytogenetic location: 19p13.3.
Variant type: single nucleotide variant.
Coding change: c.17G>A on transcript NM_001928.4 (MANE Select); coding-DNA position 17, G replaced by A.
Protein change: p.Arg6His; replaces arginine 6 with histidine.
Molecular consequence: missense variant.
Genome position (GRCh38, 1-based): chr19:859,706, G>A. VCF-style: chr19-859706-G-A. GRCh37 (hg19) VCF-style: chr19-859706-G-A.
Other names: c.17G>A, p.Arg6His (NM_001317335.2); c.17G>A (NM_001928.2); short protein forms R6H.
Identifiers: ClinVar variation 1371851 (VCV001371851.4), dbSNP rs147192616, ClinGen allele CA9026191.

ClinVar aggregate classification (germline): Conflicting classifications of pathogenicity. Review status: criteria provided, conflicting classifications (1 of 4 stars). 2 submissions from 2 submitters: Uncertain significance (1); Likely benign (1). Last evaluated 2025-03-15.

Allele frequency attached by ClinVar (database versions not stated): gnomAD exomes 0.00004; ExAC 0.00017; gnomAD 0.00019 and 0.00020; ESP Exome Variant Server 0.00016; TOPMed 0.00017.
gnomAD v4.1: 71 of 1,573,126 alleles (0.0045%); highest among the groups gnomAD compares: African/African-American, 0.078%; no homozygotes.

Submissions (2):

Ambry Genetics
Classification: Likely benign. Last evaluated: 2025-03-15. Review status: criteria provided, single submitter. Criteria: Ambry Variant Classification Scheme 2023. Collection method: clinical testing. Allele origin: germline.

Labcorp Genetics (formerly Invitae), Labcorp
Classification: Uncertain significance. Last evaluated: 2022-06-13. Review status: criteria provided, single submitter. Criteria: Invitae Variant Classification Sherloc (09022015). Collection method: clinical testing. Allele origin: germline.
Comment: This sequence change replaces arginine with histidine at codon 6 of the CFD protein (p.Arg6His). The arginine residue is weakly conserved and there is a small physicochemical difference between arginine and histidine. The frequency data for this variant in the population databases is considered unreliable, as metrics indicate poor data quality at this position in the gnomAD database. This variant has not been reported in the literature in individuals affected with CFD-related conditions. Algorithms developed to predict the effect of missense changes on protein structure and function output the following: SIFT: "Not Available"; PolyPhen-2: "Possibly Damaging"; Align-GVGD: "Not Available". The histidine amino acid residue is found in multiple mammalian species, which suggests that this missense change does not adversely affect protein function. In summary, the available evidence is currently insufficient to determine the role of this variant in disease. Therefore, it has been classified as a Variant of Uncertain Significance.